The following is an entry in ClinVar:

ClinVar aggregate classification (germline): Uncertain significance (1 of 4 stars; one submission).

Allele frequency attached by ClinVar (database versions not stated): ExAC 0.00002; gnomAD exomes 0.00002; 1000 Genomes Project 30x 0.00016; 1000 Genomes Project 0.00020.
gnomAD v4.1: 16 of 1,614,134 alleles (0.00099%); highest among the groups gnomAD compares: East Asian, 0.036%; no homozygotes.

Submission:

Labcorp Genetics (formerly Invitae), Labcorp
Classification: Uncertain significance. Last evaluated: 2024-03-11. Review status: criteria provided, single submitter. Criteria: Invitae Variant Classification Sherloc (09022015). Collection method: clinical testing. Allele origin: germline.
Comment: This sequence change replaces proline, which is neutral and non-polar, with arginine, which is basic and polar, at codon 297 of the TRPC3 protein (p.Pro297Arg). This variant is present in population databases (rs199754762, gnomAD 0.02%). This variant has not been reported in the literature in individuals affected with TRPC3-related conditions. Advanced modeling of protein sequence and biophysical properties (such as structural, functional, and spatial information, amino acid conservation, physicochemical variation, residue mobility, and thermodynamic stability) has been performed at Invitae for this missense variant, however the output from this modeling did not meet the statistical confidence thresholds required to predict the impact of this variant on TRPC3 protein function. In summary, the available evidence is currently insufficient to determine the role of this variant in disease. Therefore, it has been classified as a Variant of Uncertain Significance.

NM_001130698.2(TRPC3):c.890C>G (p.Pro297Arg)

Gene: TRPC3 (transient receptor potential cation channel subfamily C member 3; minus strand). Cytogenetic location: 4q27.
Variant type: single nucleotide variant.
Coding change: c.890C>G on transcript NM_001130698.2 (MANE Select); coding-DNA position 890, C replaced by G.
Protein change: p.Pro297Arg; replaces proline 297 with arginine.
Molecular consequence: missense variant.
Genome position (GRCh38, 1-based): chr4:121,932,368, G>C on the plus strand (C>G on the coding strand, the complement: TRPC3 is on the minus strand). VCF-style: chr4-121932368-G-C. GRCh37 (hg19) VCF-style: chr4-122853523-G-C.
Other names: c.671C>G, p.Pro224Arg (NM_003305.2); c.890C>G, p.Pro297Arg (NM_001366479.2); short protein forms P224R, P297R.
Identifiers: ClinVar variation 2760241 (VCV002760241.3), dbSNP rs199754762, ClinGen allele CA3065086.